The following is an entry in ClinVar:

NM_006235.3(POU2AF1):c.405del (p.Ser137fs)

Gene: POU2AF1 (POU class 2 homeobox associating factor 1; minus strand). Cytogenetic location: 11q23.1.
Variant type: Deletion.
Coding change: c.405del on transcript NM_006235.3 (MANE Select); coding-DNA position 405, one base deleted (G; older notation c.405delG).
Protein change: p.Ser137fs; shifts the reading frame from serine 137.
Molecular consequence: frameshift variant.
Genome position (GRCh38, 1-based): chr11:111,357,496, C deleted on the plus strand (G on the coding strand, the reverse complement: POU2AF1 is on the minus strand); the first of 4 consecutive C bases (chr11:111,357,496-111,357,499); deleting any one gives the same sequence. VCF-style (leftmost placement, unchanged base first): chr11-111357495-GC-G. GRCh37 (hg19) VCF-style: chr11-111228220-GC-G.
Other names: c.405delG (NM_006235.3); short protein forms S137fs.
Identifiers: ClinVar variation 4848948 (VCV004848948.1).
Genomic context (GRCh38, chr11:111,357,495, plus strand): 5'-TGTGACATACCGTGACATTGGTGATGAGTGGCGGAGAGGCATAGGTCAACACTGAGGAGG[GC>G]CCCACCACCGTGTAGCTGGGGCACACGGGCTGCACATACATGTCAGCTGAGTAGGGGCAG-3'

ClinVar aggregate classification (germline): Uncertain significance (1 of 4 stars; one submission).

Submission:

Women's Health and Genetics/Laboratory Corporation of America, LabCorp
Classification: Uncertain significance. Last evaluated: 2026-04-02. Review status: criteria provided, single submitter. Criteria: LabCorp Variant Classification Summary - May 2015. Collection method: clinical testing. Allele origin: germline.
Comment: Variant summary: POU2AF1 c.405delG (p.Ser137ProfsX4) results in a premature termination codon, predicted to cause a truncation of the encoded protein or absence of the protein due to nonsense mediated decay, however current evidence is not sufficient to establish loss of function as a mechanism for disease. The variant was absent in 251348 control chromosomes. The available data on variant occurrences in the general population are insufficient to allow any conclusion about variant significance. To our knowledge, no occurrence of c.405delG in individuals affected with POU2AF1-related conditions and no experimental evidence demonstrating its impact on protein function have been reported. No submitters have cited clinical-significance assessments for this variant to ClinVar. Based on the evidence outlined above, the variant was classified as uncertain significance.